The following is an entry in ClinVar:

NM_004656.4(BAP1):c.597C>T (p.Asp199=)

Gene: BAP1 (BRCA1 associated deubiquitinase 1; minus strand). Cytogenetic location: 3p21.1.
Variant type: single nucleotide variant.
Coding change: c.597C>T on transcript NM_004656.4 (MANE Select); coding-DNA position 597, C replaced by T.
Protein change: p.Asp199=; no amino-acid change (aspartic acid 199 retained).
Molecular consequence: synonymous variant.
Genome position (GRCh38, 1-based): chr3:52,406,891, G>A on the plus strand (C>T on the coding strand, the complement: BAP1 is on the minus strand). VCF-style: chr3-52406891-G-A. GRCh37 (hg19) VCF-style: chr3-52440907-G-A.
Identifiers: ClinVar variation 417295 (VCV000417295.42), dbSNP rs747458975, ClinGen allele CA2437043.

ClinVar aggregate classification (germline): Benign/Likely benign. Review status: criteria provided, multiple submitters, no conflicts (2 of 4 stars). 7 submissions from 7 submitters: Benign (1); Likely benign (6). Last evaluated 2025-12-17.

Conditions:
Hereditary cancer-predisposing syndrome. Also called: Tumor predisposition; Hereditary neoplastic syndrome; Hereditary Cancer Syndrome; Neoplastic Syndromes, Hereditary. Identifiers: Orphanet 140162, MedGen C0027672, MeSH D009386, MONDO:0015356.
BAP1-related tumor predisposition syndrome (TPDS1). Also called: Tumor susceptibility linked to germline BAP1 mutations; COMMON Syndrome; TUMOR PREDISPOSITION SYNDROME 1; BAP1 tumor predisposition syndrome. Identifiers: Orphanet 289539, MedGen C3280492, MONDO:0013692, OMIM 614327.

Allele frequency attached by ClinVar (database versions not stated): ExAC below 0.00001; gnomAD exomes below 0.00001 and 0.00001; gnomAD 0.00002; TOPMed 0.00002.
gnomAD v4.1: 8 of 1,571,410 alleles (0.00051%); highest among the groups gnomAD compares: Admixed American, 0.0019%; no homozygotes.

Submissions (7):

Labcorp Genetics (formerly Invitae), Labcorp
Classification: Likely benign for BAP1-related tumor predisposition syndrome. Last evaluated: 2025-12-17. Review status: criteria provided, single submitter. Criteria: Invitae Variant Classification Sherloc (09022015). Collection method: clinical testing. Allele origin: germline.

Quest Diagnostics Nichols Institute San Juan Capistrano
Classification: Likely benign. Last evaluated: 2025-05-16. Review status: criteria provided, single submitter. Criteria: Quest Diagnostics criteria. Collection method: clinical testing. Allele origin: unknown.

Center for Genomic Medicine, Rigshospitalet, Copenhagen University Hospital
Classification: Likely benign. Last evaluated: 2025-03-04. Review status: criteria provided, single submitter. Criteria: ACMG Guidelines, 2015. Collection method: clinical testing. Allele origin: germline.

Myriad Genetics, Inc.
Classification: Benign for BAP1-related tumor predisposition syndrome. Last evaluated: 2024-07-12. Review status: criteria provided, single submitter. Criteria: Myriad Autosomal Dominant, Autosomal Recessive and X-Linked Classification Criteria (2023). Collection method: clinical testing. Allele origin: unknown.
Comment: This variant is considered benign. This variant is a silent/synonymous amino acid change and it is not expected to impact splicing.

CeGaT Center for Human Genetics Tuebingen
Classification: Likely benign. Last evaluated: 2023-01-01. Review status: criteria provided, single submitter. Criteria: CeGaT Center For Human Genetics Tuebingen Variant Classification Criteria Version 2. Collection method: clinical testing. Allele origin: germline. Affected: yes. Observed: 1 variant allele.
Comment: BAP1: BP4, BP7

Ambry Genetics
Classification: Likely benign for Hereditary cancer-predisposing syndrome. Last evaluated: 2020-04-21. Review status: criteria provided, single submitter. Criteria: Ambry Variant Classification Scheme 2023. Collection method: clinical testing. Allele origin: germline.

Color Diagnostics, LLC DBA Color Health
Classification: Likely benign for Hereditary cancer-predisposing syndrome. Last evaluated: 2017-02-15. Review status: criteria provided, single submitter. Criteria: ACMG Guidelines, 2015. Collection method: clinical testing. Allele origin: germline.